The following is an entry in ClinVar:

ClinVar aggregate classification (germline): Uncertain significance (1 of 4 stars; one submission).

gnomAD v4.1: 3 of 1,613,044 alleles (0.00019%); highest among the groups gnomAD compares: African/African-American, 0.004%; no homozygotes.

Submission:

Labcorp Genetics (formerly Invitae), Labcorp
Classification: Uncertain significance. Last evaluated: 2022-02-09. Review status: criteria provided, single submitter. Criteria: Invitae Variant Classification Sherloc (09022015). Collection method: clinical testing. Allele origin: germline.
Comment: In summary, the available evidence is currently insufficient to determine the role of this variant in disease. Therefore, it has been classified as a Variant of Uncertain Significance. Algorithms developed to predict the effect of missense changes on protein structure and function are either unavailable or do not agree on the potential impact of this missense change (SIFT: "Deleterious"; PolyPhen-2: "Probably Damaging"; Align-GVGD: "Class C0"). This variant has not been reported in the literature in individuals affected with TUBGCP6-related conditions. This variant is not present in population databases (gnomAD no frequency). This sequence change replaces tryptophan, which is neutral and slightly polar, with arginine, which is basic and polar, at codon 1756 of the TUBGCP6 protein (p.Trp1756Arg).

NM_020461.4(TUBGCP6):c.5266T>C (p.Trp1756Arg)

Gene: TUBGCP6 (tubulin gamma complex component 6; minus strand). Cytogenetic location: 22q13.33.
Variant type: single nucleotide variant.
Coding change: c.5266T>C on transcript NM_020461.4 (MANE Select); coding-DNA position 5266, T replaced by C.
Protein change: p.Trp1756Arg; replaces tryptophan 1756 with arginine.
Molecular consequence: missense variant.
Genome position (GRCh38, 1-based): chr22:50,218,020, A>G on the plus strand (T>C on the coding strand, the complement: TUBGCP6 is on the minus strand). VCF-style: chr22-50218020-A-G. GRCh37 (hg19) VCF-style: chr22-50656449-A-G.
Other names: short protein forms W1756R.
Identifiers: ClinVar variation 1483150 (VCV001483150.7), dbSNP rs773173311, ClinGen allele CA325508689.